The following is an entry in ClinVar:

NM_213589.3(RAPH1):c.2046C>T (p.Ala682=)

Gene: RAPH1 (Ras association (RalGDS/AF-6) and pleckstrin homology domains 1; minus strand). Cytogenetic location: 2q33.2.
Variant type: single nucleotide variant.
Coding change: c.2046C>T on transcript NM_213589.3 (MANE Select); coding-DNA position 2046, C replaced by T.
Protein change: p.Ala682=; no amino-acid change (alanine 682 retained).
Molecular consequence: synonymous variant.
Genome position (GRCh38, 1-based): chr2:203,441,144, G>A on the plus strand (C>T on the coding strand, the complement: RAPH1 is on the minus strand). VCF-style: chr2-203441144-G-A. GRCh37 (hg19) VCF-style: chr2-204305867-G-A.
Other names: c.2202C>T, p.Ala734= (NM_001439019.1); c.2121C>T, p.Ala707= (NM_001439024.1, NM_001439030.1); c.2127C>T, p.Ala709= (NM_001439027.1); c.2046C>T, p.Ala682= (NM_001439031.1).
Identifiers: ClinVar variation 4083621 (VCV004083621.8).

ClinVar aggregate classification (germline): Likely benign (1 of 4 stars; one submission).

gnomAD v4.1: 1,721 of 1,612,714 alleles (0.11%); highest among the groups gnomAD compares: South Asian, 0.14%; 2 homozygotes.

Submission:

CeGaT Center for Human Genetics Tuebingen
Classification: Likely benign. Last evaluated: 2025-06-01. Review status: criteria provided, single submitter. Criteria: CeGaT Center For Human Genetics Tuebingen Variant Classification Criteria Version 2. Collection method: clinical testing. Allele origin: germline. Affected: yes. Observed: 1 variant allele.
Comment: RAPH1: BP4, BP7